The following is an entry in ClinVar:

ClinVar aggregate classification (germline): Uncertain significance (1 of 4 stars; one submission).

Conditions:
Inborn genetic diseases. Identifiers: MedGen C0950123, MeSH D030342.

Submission:

Ambry Genetics
Classification: Uncertain significance for Inborn genetic diseases. Last evaluated: 2026-07-13. Review status: criteria provided, single submitter. Criteria: Ambry Variant Classification Scheme 2023. Collection method: clinical testing. Allele origin: germline.
Comment: The p.R509G variant (also known as c.1525A>G), located in coding exon 13 of the KDM1A gene, results from an A to G substitution at nucleotide position 1525. The arginine at codon 509 is replaced by glycine, an amino acid with dissimilar properties. This amino acid position is conserved. In addition, this alteration is predicted to be tolerated by in silico analysis. Based on the available evidence, the clinical significance of this variant remains unclear.

NM_001009999.3(KDM1A):c.1525A>G (p.Arg509Gly)

Gene: KDM1A (lysine demethylase 1A; plus strand). Cytogenetic location: 1p36.12.
Variant type: single nucleotide variant.
Coding change: c.1525A>G on transcript NM_001009999.3 (MANE Select); coding-DNA position 1525, A replaced by G.
Protein change: p.Arg509Gly; replaces arginine 509 with glycine.
Molecular consequence: missense variant.
Genome position (GRCh38, 1-based): chr1:23,071,336, A>G. VCF-style: chr1-23071336-A-G. GRCh37 (hg19) VCF-style: chr1-23397829-A-G.
Other names: c.1453A>G, p.Arg485Gly (NM_001410763.1, NM_015013.4, NM_001363654.2); c.1513A>G, p.Arg505Gly (NM_001410762.1); short protein forms R509G, R485G, R505G.
Identifiers: ClinVar variation 5023065 (VCV005023065.1).